The following is an entry in ClinVar:

NM_001384732.1(CPLANE1):c.3245T>C (p.Leu1082Ser)

Gene: CPLANE1 (ciliogenesis and planar polarity effector complex subunit 1; minus strand). Cytogenetic location: 5p13.2.
Variant type: single nucleotide variant.
Coding change: c.3245T>C on transcript NM_001384732.1 (MANE Select); coding-DNA position 3245, T replaced by C.
Protein change: p.Leu1082Ser; replaces leucine 1082 with serine.
Molecular consequence: missense variant.
Genome position (GRCh38, 1-based): chr5:37,205,359, A>G on the plus strand (T>C on the coding strand, the complement: CPLANE1 is on the minus strand). VCF-style: chr5-37205359-A-G. GRCh37 (hg19) VCF-style: chr5-37205461-A-G.
Other names: c.3245T>C, p.Leu1082Ser (NM_023073.4); short protein forms L1082S.
Identifiers: ClinVar variation 1436091 (VCV001436091.8), dbSNP rs943993886, ClinGen allele CA117081868.
Genomic context (GRCh38, chr5:37,205,359, plus strand): 5'-TACATACATAACACACCTGTAAACTGTTTATATTTTGAGCCCATTTCATTTTTTGCTTCC[A>G]AAGAGGCTGGTTGACCTAAAACACACTGCAGTTTTTCCTGAAAAATCTGTGCTGGAGTCA-3'
Protein context (NP_001371661.1, residues 1072-1092): LQCVLGQPAS[Leu1082Ser]EAKNEMGSKY

ClinVar aggregate classification (germline): Uncertain significance. Review status: criteria provided, multiple submitters, no conflicts (2 of 4 stars). 3 submissions from 3 submitters: Uncertain significance (3). Last evaluated 2025-06-25.

Conditions:
Joubert syndrome 17 (JBTS17). Identifiers: Orphanet 475, MedGen C3553264, MONDO:0013824, OMIM 614615.
Orofaciodigital syndrome type 6 (OFD6). Also called: OROFACIODIGITAL SYNDROME VI; OFDS VI; POLYDACTYLY, CLEFT LIP/PALATE OR LINGUAL LUMP, AND PSYCHOMOTOR RETARDATION; VARADI SYNDROME; VARADI-PAPP SYNDROME; Oral-facial-digital syndrome type 6. Identifiers: Orphanet 2754, MedGen C2745997, MONDO:0010176, OMIM 277170.

Allele frequency attached by ClinVar (database versions not stated): gnomAD 0.00001 and 0.00002; gnomAD exomes 0.00002; TOPMed 0.00004.
gnomAD v4.1: 34 of 1,550,892 alleles (0.0022%); highest among the groups gnomAD compares: Admixed American, 0.0059%; no homozygotes.

Submissions (3):

Labcorp Genetics (formerly Invitae), Labcorp
Classification: Uncertain significance. Last evaluated: 2025-06-25. Review status: criteria provided, single submitter. Criteria: Invitae Variant Classification Sherloc (09022015). Collection method: clinical testing. Allele origin: germline.
Comment: This sequence change replaces leucine, which is neutral and non-polar, with serine, which is neutral and polar, at codon 1082 of the CPLANE1 protein (p.Leu1082Ser). This variant is present in population databases (no rsID available, gnomAD 0.004%). This variant has not been reported in the literature in individuals affected with CPLANE1-related conditions. ClinVar contains an entry for this variant (Variation ID: 1436091). Invitae Evidence Modeling of protein sequence and biophysical properties (such as structural, functional, and spatial information, amino acid conservation, physicochemical variation, residue mobility, and thermodynamic stability) indicates that this missense variant is not expected to disrupt CPLANE1 protein function with a negative predictive value of 95%. In summary, the available evidence is currently insufficient to determine the role of this variant in disease. Therefore, it has been classified as a Variant of Uncertain Significance.

Blueprint Genetics
Classification: Uncertain significance. Last evaluated: 2024-11-07. Review status: criteria provided, single submitter. Criteria: ACMG Guidelines, 2015. Collection method: clinical testing. Allele origin: germline.

Fulgent Genetics
Classification: Uncertain significance for Orofaciodigital syndrome type 6; Joubert syndrome 17. Last evaluated: 2021-12-20. Review status: criteria provided, single submitter. Criteria: ACMG Guidelines, 2015. Collection method: clinical testing. Allele origin: unknown.